The following is an entry in ClinVar:

ClinVar aggregate classification (germline): Uncertain significance (1 of 4 stars; one submission).

Conditions:
Hereditary cancer-predisposing syndrome. Also called: Neoplastic Syndromes, Hereditary; Tumor predisposition; Hereditary Cancer Syndrome; Hereditary neoplastic syndrome. Identifiers: Orphanet 140162, MedGen C0027672, MeSH D009386, MONDO:0015356.

Submission:

Ambry Genetics
Classification: Uncertain significance for Hereditary cancer-predisposing syndrome. Last evaluated: 2022-01-18. Review status: criteria provided, single submitter. Criteria: Ambry Variant Classification Scheme 2023. Collection method: clinical testing. Allele origin: germline.
Comment: The p.L1083R variant (also known as c.3248T>G), located in coding exon 27 of the TSC2 gene, results from a T to G substitution at nucleotide position 3248. The leucine at codon 1083 is replaced by arginine, an amino acid with dissimilar properties. This amino acid position is conserved. In addition, this alteration is predicted to be deleterious by in silico analysis. Since supporting evidence is limited at this time, the clinical significance of this alteration remains unclear.

NM_000548.5(TSC2):c.3248T>G (p.Leu1083Arg)

Gene: TSC2 (TSC complex subunit 2; plus strand). Cytogenetic location: 16p13.3.
Variant type: single nucleotide variant.
Coding change: c.3248T>G on transcript NM_000548.5 (MANE Select); coding-DNA position 3248, T replaced by G.
Protein change: p.Leu1083Arg; replaces leucine 1083 with arginine.
Molecular consequence: missense variant.
Genome position (GRCh38, 1-based): chr16:2,079,392, T>G. VCF-style: chr16-2079392-T-G. GRCh37 (hg19) VCF-style: chr16-2129393-T-G.
Other names: c.3116T>G, p.Leu1039Arg (NM_001077183.3, NM_001370404.1, NM_001406665.1); c.3248T>G, p.Leu1083Arg (NM_001114382.3); c.3008T>G, p.Leu1003Arg (NM_001318827.2); c.2972T>G, p.Leu991Arg (NM_001318829.2); c.2516T>G, p.Leu839Arg (NM_001318831.2, NM_001406687.1, NM_001406688.1); c.3149T>G, p.Leu1050Arg (NM_001318832.2); c.3119T>G, p.Leu1040Arg (NM_001363528.2, NM_001370405.1, NM_021055.3); c.3245T>G, p.Leu1082Arg (NM_001406663.1, NM_001406664.1); and 18 more; short protein forms L1034R, L591R, L635R, L883R, L886R, L1002R, L1003R, L1036R.
Identifiers: ClinVar variation 1729364 (VCV001729364.2), dbSNP rs2089839896, ClinGen allele CA394286123.
Genomic context (GRCh38, chr16:2,079,392, plus strand): 5'-GGAACAAGCTTGTCACTGTGACGACAAGCGTGGGAACCGGGACCCGGTCGTTACTAGGCC[T>G]GGACTCGGGGGAGCTGCAGTCCGGCCCGGAGTCGAGGTGACTGCACCTTCCTTTCCTCCG-3'
Protein context (NP_000539.2, residues 1073-1093): VGTGTRSLLG[Leu1083Arg]DSGELQSGPE